The following is an entry in ClinVar:

NM_004656.4(BAP1):c.1361A>T (p.Glu454Val)

Gene: BAP1 (BRCA1 associated deubiquitinase 1; minus strand). Cytogenetic location: 3p21.1.
Variant type: single nucleotide variant.
Coding change: c.1361A>T on transcript NM_004656.4 (MANE Select); coding-DNA position 1361, A replaced by T.
Protein change: p.Glu454Val; replaces glutamic acid 454 with valine.
Molecular consequence: missense variant.
Genome position (GRCh38, 1-based): chr3:52,403,784, T>A on the plus strand (A>T on the coding strand, the complement: BAP1 is on the minus strand). VCF-style: chr3-52403784-T-A. GRCh37 (hg19) VCF-style: chr3-52437800-T-A.
Other names: short protein forms E454V.
Identifiers: ClinVar variation 628525 (VCV000628525.7), dbSNP rs1165855820, ClinGen allele CA353101825.

ClinVar aggregate classification (germline): Uncertain significance. Review status: criteria provided, multiple submitters, no conflicts (2 of 4 stars). 2 submissions from 2 submitters: Uncertain significance (2). Last evaluated 2024-12-24.

Conditions:
Hereditary cancer-predisposing syndrome. Also called: Neoplastic Syndromes, Hereditary; Tumor predisposition; Hereditary neoplastic syndrome; Hereditary Cancer Syndrome. Identifiers: Orphanet 140162, MedGen C0027672, MeSH D009386, MONDO:0015356.
BAP1-related tumor predisposition syndrome (TPDS1). Also called: Tumor susceptibility linked to germline BAP1 mutations; BAP1 tumor predisposition syndrome; TUMOR PREDISPOSITION SYNDROME 1; COMMON Syndrome. Identifiers: Orphanet 289539, MedGen C3280492, MONDO:0013692, OMIM 614327.

Allele frequency attached by ClinVar (database versions not stated): TOPMed below 0.00001.
gnomAD v4.1: 1 of 1,614,128 alleles (0.000062%); highest among the groups gnomAD compares: Non-Finnish European, 0.000085%; no homozygotes.

Submissions (2):

Labcorp Genetics (formerly Invitae), Labcorp
Classification: Uncertain significance for BAP1-related tumor predisposition syndrome. Last evaluated: 2024-12-24. Review status: criteria provided, single submitter. Criteria: Invitae Variant Classification Sherloc (09022015). Collection method: clinical testing. Allele origin: germline.
Comment: This sequence change replaces glutamic acid, which is acidic and polar, with valine, which is neutral and non-polar, at codon 454 of the BAP1 protein (p.Glu454Val). This variant is present in population databases (no rsID available, gnomAD 0.0009%). This variant has not been reported in the literature in individuals affected with BAP1-related conditions. ClinVar contains an entry for this variant (Variation ID: 628525). Invitae Evidence Modeling of protein sequence and biophysical properties (such as structural, functional, and spatial information, amino acid conservation, physicochemical variation, residue mobility, and thermodynamic stability) indicates that this missense variant is not expected to disrupt BAP1 protein function with a negative predictive value of 80%. In summary, the available evidence is currently insufficient to determine the role of this variant in disease. Therefore, it has been classified as a Variant of Uncertain Significance.

Color Diagnostics, LLC DBA Color Health
Classification: Uncertain significance for Hereditary cancer-predisposing syndrome. Last evaluated: 2023-12-05. Review status: criteria provided, single submitter. Criteria: ACMG Guidelines, 2015. Collection method: clinical testing. Allele origin: germline.
Comment: This missense variant replaces glutamic acid with valine at codon 454 of the BAP1 protein. Computational prediction suggests that this variant may not impact protein structure and function (internally defined REVEL score threshold <= 0.5, PMID: 27666373). To our knowledge, functional studies have not been reported for this variant. This variant has not been reported in individuals affected with BAP1-related disorders in the literature. This variant has been identified in 1/251392 chromosomes in the general population by the Genome Aggregation Database (gnomAD). The available evidence is insufficient to determine the role of this variant in disease conclusively. Therefore, this variant is classified as a Variant of Uncertain Significance.